The following is an entry in ClinVar:

NM_001370259.2(MEN1):c.759G>C (p.Ser253=)

Gene: MEN1 (menin 1; minus strand). Cytogenetic location: 11q13.1.
Variant type: single nucleotide variant.
Coding change: c.759G>C on transcript NM_001370259.2 (MANE Select); coding-DNA position 759, G replaced by C.
Protein change: p.Ser253=; no amino-acid change (serine 253 retained).
Molecular consequence: synonymous variant. On other transcripts: non-coding transcript variant (4).
Genome position (GRCh38, 1-based): chr11:64,807,576, C>G on the plus strand (G>C on the coding strand, the complement: MEN1 is on the minus strand). VCF-style: chr11-64807576-C-G. GRCh37 (hg19) VCF-style: chr11-64575048-C-G.
Other names: c.759G>C, p.Ser253= (NM_130799.3, NM_001407144.1, NM_001407146.1 and 7 more transcripts); c.774G>C, p.Ser258= (NM_130800.3, NM_130801.3, NM_130802.3 and 5 more transcripts); c.654G>C, p.Ser218= (NM_001407148.1, NM_001407149.1, NM_001407151.1 and 2 more transcripts).
Identifiers: ClinVar variation 2849896 (VCV002849896.4), dbSNP rs201829546, ClinGen allele CA474983762.
Genomic context (GRCh38, chr11:64,807,576, plus strand): 5'-CCTAGCCCAGTCCTGCCCCATTGGCTCAGCCCTCACCTGCTGCAGCTGCAGAAGCTCCAG[C>G]GAGTCGGTGTGCAGGTCAATGGAAGGGTTGATGGCACACACCATGAACGCCACCTCCATC-3'
Protein context (NP_001357188.2, residues 243-263): INPSIDLHTD[Ser253=]LELLQLQQKL

ClinVar aggregate classification (germline): Likely benign. Review status: criteria provided, multiple submitters, no conflicts (2 of 4 stars). 2 submissions from 2 submitters: Likely benign (2). Last evaluated 2026-03-02.

Conditions:
Multiple endocrine neoplasia, type 1 (MEN1). Also called: MEN I; WERMER SYNDROME; Endocrine adenomatosis multiple; MEN 1; MEA I. Identifiers: Orphanet 652, MedGen C0025267, MeSH D018761, MONDO:0007540, OMIM 131100.

Submissions (2):

Women's Health and Genetics/Laboratory Corporation of America, LabCorp
Classification: Likely benign. Last evaluated: 2026-03-02. Review status: criteria provided, single submitter. Criteria: LabCorp Variant Classification Summary - May 2015. Collection method: clinical testing. Allele origin: germline.
Comment: Variant summary: MEN1 c.759G>C alters a conserved nucleotide resulting in a synonymous change. Consensus agreement among computation tools predict no significant impact on normal splicing. However, these predictions have yet to be confirmed by functional studies. The variant was absent in 251260 control chromosomes. The available data on variant occurrences in the general population are insufficient to allow any conclusion about variant significance. To our knowledge, no occurrence of c.759G>C in individuals affected with MEN1-related conditions and no experimental evidence demonstrating its impact on protein function have been reported. ClinVar contains an entry for this variant (Variation ID: 2849896). Based on the evidence outlined above, the variant was classified as likely benign.

Labcorp Genetics (formerly Invitae), Labcorp
Classification: Likely benign for Multiple endocrine neoplasia, type 1. Last evaluated: 2023-03-26. Review status: criteria provided, single submitter. Criteria: Invitae Variant Classification Sherloc (09022015). Collection method: clinical testing. Allele origin: germline.